The following is an entry in ClinVar:

NM_001243133.2(NLRP3):c.1569C>A (p.Phe523Leu)

Gene: NLRP3 (NLR family pyrin domain containing 3; plus strand). Cytogenetic location: 1q44.
Variant type: single nucleotide variant.
Coding change: c.1569C>A on transcript NM_001243133.2 (MANE Select); coding-DNA position 1569, C replaced by A.
Protein change: p.Phe523Leu; replaces phenylalanine 523 with leucine.
Molecular consequence: missense variant.
Genome position (GRCh38, 1-based): chr1:247,425,018, C>A. VCF-style: chr1-247425018-C-A. GRCh37 (hg19) VCF-style: chr1-247588320-C-A.
Other names: c.1569C>A, p.Phe523Leu (NM_001079821.3, NM_001127461.3, NM_001127462.3 and 1 more transcripts); c.1575C>A, p.Phe525Leu (NM_004895.5); short protein forms F525L, F523L.
Identifiers: ClinVar variation 97937 (VCV000097937.1), dbSNP rs180177439, ClinGen allele CA281229.

ClinVar aggregate classification (germline): not provided (0 of 4 stars; one submission).

Conditions:
Familial cold autoinflammatory syndrome 1 (FCAS1). Also called: CRYOPYRIN-ASSOCIATED PERIODIC SYNDROME 1; Familial cold inflammatory syndrome 1. Identifiers: Orphanet 47045, MedGen C4551895, MONDO:0007349, OMIM 120100.

Submission:

Unité médicale des maladies autoinflammatoires, CHRU Montpellier
No classification provided. Condition: Familial cold urticaria. Review status: no classification provided. Collection method: not provided. Allele origin: unknown.
Comment: also involved in OMIM 191900 and 607115